The following is an entry in ClinVar:

ClinVar aggregate classification (germline): Pathogenic (1 of 4 stars; one submission).

Conditions:
Crigler-Najjar syndrome. Identifiers: Orphanet 205, MedGen C5551003, MONDO:0009044.

Submission:

Women's Health and Genetics/Laboratory Corporation of America, LabCorp
Classification: Pathogenic for Crigler-Najjar syndrome. Last evaluated: 2024-10-23. Review status: criteria provided, single submitter. Criteria: LabCorp Variant Classification Summary - May 2015. Collection method: clinical testing. Allele origin: germline.
Comment: Variant summary: UGT1A1 c.652dupT (p.Ser218PhefsX40) results in a premature termination codon, predicted to cause a truncation of the encoded protein or absence of the protein due to nonsense mediated decay, which are commonly known mechanisms for disease. The variant was absent in 251490 control chromosomes. c.652dupT has been reported in the literature in at least one compound heterozygous individual affected with Crigler-Najjar syndrome (D'Apolito_2007). To our knowledge, no experimental evidence demonstrating an impact on protein function has been reported. The following publication has been ascertained in the context of this evaluation (PMID: 17229650). No submitters have cited clinical-significance assessments for this variant to ClinVar. Based on the evidence outlined above, the variant was classified as pathogenic.

Literature cited by the submitters: PubMed 17229650.

NM_000463.3(UGT1A1):c.652dup (p.Ser218fs)

Genes: UGT1A3 (UDP glucuronosyltransferase family 1 member A3; plus strand), UGT1A10 (UDP glucuronosyltransferase family 1 member A10; plus strand), UGT1A6 (UDP glucuronosyltransferase family 1 member A6; plus strand), UGT1A9 (UDP glucuronosyltransferase family 1 member A9; plus strand), UGT1A5 (UDP glucuronosyltransferase family 1 member A5; plus strand) and 5 more. Cytogenetic location: 2q37.1.
Variant type: Duplication.
Coding change: c.652dup on transcript NM_000463.3 (MANE Select); coding-DNA position 652, one base duplicated (T; older notation c.652dupT).
Protein change: p.Ser218fs; shifts the reading frame from serine 218.
Molecular consequence: frameshift variant. On other transcripts: intron variant (9).
Genome position (GRCh38, 1-based): chr2:233,760,939, T duplicated; the last of 4 consecutive T bases (chr2:233,760,936-233,760,939); duplicating any one gives the same sequence. VCF-style (leftmost placement, unchanged base first): chr2-233760935-C-CT. GRCh37 (hg19) VCF-style: chr2-234669581-C-CT.
Other names: c.856-6095dup (NM_019076.5, NM_019075.4, NM_021027.3 and 1 more transcripts); c.61-6095dup (NM_205862.3); c.862-6095dup (NM_001072.4); c.868-6095dup (NM_019078.2, NM_007120.3, NM_019093.4); c.652dupT (NM_000463.3); short protein forms S218fs.
Identifiers: ClinVar variation 3385113 (VCV003385113.1).